The following is an entry in ClinVar:

NM_018979.4(WNK1):c.3372+273G>A

Gene: WNK1 (WNK lysine deficient protein kinase 1; plus strand). Cytogenetic location: 12p13.33.
Variant type: single nucleotide variant.
Coding change: c.3372+273G>A on transcript NM_018979.4 (MANE Select); 273 bases into the intron after coding-DNA position 3372, G replaced by A.
Molecular consequence: intron variant.
Genome position (GRCh38, 1-based): chr12:882,346, G>A. VCF-style: chr12-882346-G-A. GRCh37 (hg19) VCF-style: chr12-991512-G-A.
Other names: c.4128+273G>A (NM_213655.5); c.4152+273G>A (NM_001184985.2); c.2631+273G>A (NM_014823.3).
Identifiers: ClinVar variation 681339 (VCV000681339.1), dbSNP rs113230037, ClinGen allele CA13761673.

ClinVar aggregate classification (germline): Benign (1 of 4 stars; one submission).

Allele frequency attached by ClinVar (database versions not stated): 1000 Genomes Project 0.04792; 1000 Genomes Project 30x 0.05153; TOPMed 0.06925.
gnomAD v4.1: 10,353 of 151,972 alleles (6.8%); highest among the groups gnomAD compares: African/African-American, 8.4%; 414 homozygotes.

Submission:

GeneDx
Classification: Benign. Last evaluated: 2018-06-16. Review status: criteria provided, single submitter. Criteria: GeneDx Variant Classification (06012015). Collection method: clinical testing. Allele origin: germline. Affected: yes.
Comment: This variant is considered likely benign or benign based on one or more of the following criteria: it is a conservative change, it occurs at a poorly conserved position in the protein, it is predicted to be benign by multiple in silico algorithms, and/or has population frequency not consistent with disease.